The following is an entry in ClinVar:

ClinVar aggregate classification (germline): Conflicting classifications of pathogenicity. Review status: criteria provided, conflicting classifications (1 of 4 stars). 2 submissions from 2 submitters: Uncertain significance (1); Likely benign (1). Last evaluated 2025-08-11.

Conditions:
Inborn genetic diseases. Identifiers: MedGen C0950123, MeSH D030342.

gnomAD v4.1: 12 of 1,614,084 alleles (0.00074%); highest among the groups gnomAD compares: African/African-American, 0.013%; no homozygotes.

Submissions (2):

Ambry Genetics
Classification: Likely benign for Inborn genetic diseases. Last evaluated: 2025-08-11. Review status: criteria provided, single submitter. Criteria: Ambry Variant Classification Scheme 2023. Collection method: clinical testing. Allele origin: germline.

Labcorp Genetics (formerly Invitae), Labcorp
Classification: Uncertain significance. Last evaluated: 2024-12-04. Review status: criteria provided, single submitter. Criteria: Invitae Variant Classification Sherloc (09022015). Collection method: clinical testing. Allele origin: germline.
Comment: This sequence change replaces alanine, which is neutral and non-polar, with threonine, which is neutral and polar, at codon 2755 of the MACF1 protein (p.Ala2755Thr). This variant is present in population databases (rs757782147, gnomAD 0.02%). This variant has not been reported in the literature in individuals affected with MACF1-related conditions. An algorithm developed to predict the effect of missense changes on protein structure and function outputs the following: PolyPhen-2: "Benign". The threonine amino acid residue is found in multiple mammalian species, which suggests that this missense change does not adversely affect protein function. In summary, the available evidence is currently insufficient to determine the role of this variant in disease. Therefore, it has been classified as a Variant of Uncertain Significance.

NM_001394062.1(MACF1):c.14449G>A (p.Ala4817Thr)

Gene: MACF1 (microtubule actin crosslinking factor 1; plus strand). Cytogenetic location: 1p34.3.
Variant type: single nucleotide variant.
Coding change: c.14449G>A on transcript NM_001394062.1 (MANE Select); coding-DNA position 14449, G replaced by A.
Protein change: p.Ala4817Thr; replaces alanine 4817 with threonine.
Molecular consequence: missense variant.
Genome position (GRCh38, 1-based): chr1:39,387,291, G>A. VCF-style: chr1-39387291-G-A. GRCh37 (hg19) VCF-style: chr1-39852963-G-A.
Other names: c.8263G>A, p.Ala2755Thr (NM_012090.5); c.8263G>A (NM_012090.4); short protein forms A4817T, A2755T.
Identifiers: ClinVar variation 3730733 (VCV003730733.3).
Genomic context (GRCh38, chr1:39,387,291, plus strand): 5'-CAGTTCCAGCAAATGTTTGATGAGTTGAGGACCTGGTTGGATGATAAACAAAGCCAGCAA[G>A]CAAAAAACTGCCCAATTTCTGCAAAATTGGAGCGGCTACAGTCTCAGCTACAGGAGAATG-3'
Protein context (NP_001380991.1, residues 4807-4827): TWLDDKQSQQ[Ala4817Thr]KNCPISAKLE